The following is an entry in ClinVar:

ClinVar aggregate classification (germline): Pathogenic (1 of 4 stars; one submission).

Submission:

Labcorp Genetics (formerly Invitae), Labcorp
Classification: Pathogenic. Last evaluated: 2023-08-01. Review status: criteria provided, single submitter. Criteria: Invitae Variant Classification Sherloc (09022015). Collection method: clinical testing. Allele origin: germline.
Comment: This sequence change creates a premature translational stop signal (p.Lys719Glufs*3) in the AFG3L2 gene. While this is not anticipated to result in nonsense mediated decay, it is expected to disrupt the last 79 amino acid(s) of the AFG3L2 protein. This variant is present in population databases (no rsID available, gnomAD 0.007%). This variant has not been reported in the literature in individuals affected with AFG3L2-related conditions. This variant disrupts a region of the AFG3L2 protein in which other variant(s) (p.Val723Met) have been determined to be pathogenic (PMID: 31111429, 34333379). This suggests that this is a clinically significant region of the protein, and that variants that disrupt it are likely to be disease-causing. For these reasons, this variant has been classified as Pathogenic.

Literature cited by the submitters: PubMed 31111429; PubMed 34333379.

NM_006796.3(AFG3L2):c.2155_2156del (p.Lys719fs)

Gene: AFG3L2 (AFG3 like matrix AAA peptidase subunit 2; minus strand). Cytogenetic location: 18p11.21.
Variant type: Deletion.
Coding change: c.2155_2156del on transcript NM_006796.3 (MANE Select); coding-DNA positions 2155 to 2156, 2 bases deleted (AA; older notation c.2155_2156delAA).
Protein change: p.Lys719fs; shifts the reading frame from lysine 719.
Molecular consequence: frameshift variant.
Genome position (GRCh38, 1-based): chr18:12,337,360-12,337,361, TT deleted on the plus strand (AA on the coding strand, the reverse complement: AFG3L2 is on the minus strand); deleting any 2 consecutive bases within chr18:12,337,360-12,337,363 gives the same sequence; the c. name uses the placement nearest the transcript's 3' end. VCF-style (leftmost placement, unchanged base first): chr18-12337359-CTT-C. GRCh37 (hg19) VCF-style: chr18-12337358-CTT-C.
Other names: short protein forms K719fs.
Identifiers: ClinVar variation 2745883 (VCV002745883.3), dbSNP rs1245586204, ClinGen allele CA628487329.